The following is an entry in ClinVar:

NM_000136.3(FANCC):c.425C>T (p.Pro142Leu)

Gene: FANCC (FA complementation group C; minus strand). Cytogenetic location: 9q22.32.
Variant type: single nucleotide variant.
Coding change: c.425C>T on transcript NM_000136.3 (MANE Select); coding-DNA position 425, C replaced by T.
Protein change: p.Pro142Leu; replaces proline 142 with leucine.
Molecular consequence: missense variant.
Genome position (GRCh38, 1-based): chr9:95,172,068, G>A on the plus strand (C>T on the coding strand, the complement: FANCC is on the minus strand). VCF-style: chr9-95172068-G-A. GRCh37 (hg19) VCF-style: chr9-97934350-G-A.
Other names: c.425C>T, p.Pro142Leu (NM_001243743.2, NM_001243744.2); short protein forms P142L.
Identifiers: ClinVar variation 1739156 (VCV001739156.2), dbSNP rs1064793605, ClinGen allele CA374338757.

ClinVar aggregate classification (germline): Uncertain significance (1 of 4 stars; one submission).

Conditions:
Hereditary cancer-predisposing syndrome. Also called: Hereditary Cancer Syndrome; Hereditary neoplastic syndrome; Neoplastic Syndromes, Hereditary; Tumor predisposition. Identifiers: Orphanet 140162, MedGen C0027672, MeSH D009386, MONDO:0015356.

Submission:

Ambry Genetics
Classification: Uncertain significance for Hereditary cancer-predisposing syndrome. Last evaluated: 2022-08-29. Review status: criteria provided, single submitter. Criteria: Ambry Variant Classification Scheme 2023. Collection method: clinical testing. Allele origin: germline.
Comment: The p.P142L variant (also known as c.425C>T), located in coding exon 4 of the FANCC gene, results from a C to T substitution at nucleotide position 425. The proline at codon 142 is replaced by leucine, an amino acid with similar properties. This amino acid position is conserved. In addition, this alteration is predicted to be tolerated by in silico analysis. Since supporting evidence is limited at this time, the clinical significance of this alteration remains unclear.